The following is an entry in ClinVar:

NM_001329943.3(KIAA0586):c.3523G>A (p.Ala1175Thr)

Gene: KIAA0586 (KIAA0586; plus strand). Cytogenetic location: 14q23.1.
Variant type: single nucleotide variant.
Coding change: c.3523G>A on transcript NM_001329943.3 (MANE Select); coding-DNA position 3523, G replaced by A.
Protein change: p.Ala1175Thr; replaces alanine 1175 with threonine.
Molecular consequence: missense variant.
Genome position (GRCh38, 1-based): chr14:58,488,105, G>A. VCF-style: chr14-58488105-G-A. GRCh37 (hg19) VCF-style: chr14-58954823-G-A.
Other names: c.3682G>A, p.Ala1228Thr (NM_001244189.2); c.3478G>A, p.Ala1160Thr (NM_001244190.2); c.3268G>A, p.Ala1090Thr (NM_001244191.2, NM_001329945.2, NM_001364700.1 and 1 more transcripts); c.3391G>A, p.Ala1131Thr (NM_001244192.2); c.3103G>A, p.Ala1035Thr (NM_001244193.2); c.3523G>A, p.Ala1175Thr (NM_001329944.2, NM_001329946.2, NM_001329947.2); c.3295G>A, p.Ala1099Thr (NM_014749.5); c.3682G>A (NM_001244189.1); short protein forms A1099T, A1175T, A1160T, A1228T, A1035T, A1090T, A1131T.
Identifiers: ClinVar variation 3863675 (VCV003863675.3).
Genomic context (GRCh38, chr14:58,488,105, plus strand): 5'-GGAGACCTGCCACTGGAAGAAGAGAACCCTAACTCACCTCAAGAAGAACTTCATCCAAGA[G>A]CTATGTAAATGAGAACATACTCACTAGTAACTGTACATTTCAACTTATGTTTGACTTATG-3'
Protein context (NP_001316872.1, residues 1165-1185): NSPQEELHPR[Ala1175Thr]IVMSVAKDEE

ClinVar aggregate classification (germline): Uncertain significance. Review status: criteria provided, multiple submitters, no conflicts (2 of 4 stars). 3 submissions from 3 submitters: Uncertain significance (3). Last evaluated 2025-02-08.

Conditions:
Inborn genetic diseases. Identifiers: MedGen C0950123, MeSH D030342.

gnomAD v4.1: 6 of 1,589,234 alleles (0.00038%); highest among the groups gnomAD compares: Non-Finnish European, 0.00043%; no homozygotes.

Submissions (3):

Ambry Genetics
Classification: Uncertain significance for Inborn genetic diseases. Last evaluated: 2025-02-08. Review status: criteria provided, single submitter. Criteria: Ambry Variant Classification Scheme 2023. Collection method: clinical testing. Allele origin: germline.

GeneDx
Classification: Uncertain significance. Last evaluated: 2024-12-27. Review status: criteria provided, single submitter. Criteria: GeneDx Variant Classification Process June 2021. Collection method: clinical testing. Allele origin: germline. Affected: yes.
Comment: Not observed at significant frequency in large population cohorts (gnomAD); In silico analysis supports that this missense variant has a deleterious effect on protein structure/function; Has not been previously published as pathogenic or benign to our knowledge

Blueprint Genetics
Classification: Uncertain significance. Last evaluated: 2023-03-31. Review status: criteria provided, single submitter. Criteria: ACMG Guidelines, 2015. Collection method: clinical testing. Allele origin: germline.